The following is an entry in ClinVar:

NM_175914.5(HNF4A):c.302C>A (p.Ala101Asp)

Gene: HNF4A (hepatocyte nuclear factor 4 alpha; plus strand). Cytogenetic location: 20q13.12.
Variant type: single nucleotide variant.
Coding change: c.302C>A on transcript NM_175914.5 (MANE Select); coding-DNA position 302, C replaced by A.
Protein change: p.Ala101Asp; replaces alanine 101 with aspartic acid.
Molecular consequence: missense variant.
Genome position (GRCh38, 1-based): chr20:44,407,458, C>A. VCF-style: chr20-44407458-C-A. GRCh37 (hg19) VCF-style: chr20-43036098-C-A.
Other names: NM_175914.5:c.302C>A; c.368C>A, p.Ala123Asp (NM_000457.6, NM_178849.3, NM_178850.3); c.302C>A, p.Ala101Asp (NM_001030003.3, NM_001030004.3); c.347C>A, p.Ala116Asp (NM_001258355.2); c.293C>A, p.Ala98Asp (NM_001287182.2, NM_001287183.2, NM_001287184.2); short protein forms A101D, A116D, A123D, A98D.
Identifiers: ClinVar variation 2581135 (VCV002581135.1), dbSNP rs1385303123, ClinGen allele CA409104369.

ClinVar aggregate classification (germline): Uncertain significance (3 of 4 stars; one submission).

Conditions:
Monogenic diabetes. Identifiers: Orphanet 183625, MedGen C3888631, MONDO:0015967.

Submission:

ClinGen Monogenic Diabetes Variant Curation Expert Panel
Classification: Uncertain significance for Monogenic diabetes. Last evaluated: 2023-09-29. Review status: reviewed by expert panel. Criteria: ClinGen Monogenic Diabetes ACMG Specifications HNF4A V1.1.0. Collection method: curation. Allele origin: germline. Inheritance: Autosomal dominant inheritance.
Comment: The c.302C>A variant in the hepatic nuclear factor 4-alpha gene, HNF4A, causes an amino acid change of alanine to aspartic acid at codon 101 (p.(Ala101Asp)) of NM_175914.5. This variant is predicted to be deleterious by computational evidence, with a REVEL score of 0.934, which is greater than the MDEP VCEP threshold of 0.70 (PP3). This variant is located within the DNA binding domain (codons 37-113) of HNF4A, which is defined as critical for the protein’s function by the ClinGen MDEP (PM1_Supporting). This variant is absent from gnomAD v2.1.1 (PM2_Supporting). This variant was identified in three unrelated individuals with non-autoimmune and non-absolute/near-absolute insulin-deficient diabetes; however, PS4_Moderate cannot be applied because this number is below the ClinGen MDEP threshold (internal lab contributors). One of these individuals had a clinical history highly specific for HNF4A-MODY (MODY probability calculator result >50%, negative genetic testing for HNF1A, and negative antibodies) (PP4_Moderate; internal lab contributors). In summary, c.302C>A meets the criteria to be classified as a variant of uncertain significance for monogenic diabetes. ACMG/AMP criteria applied, as specified by the ClinGen MDEP (specification version 1.1.0 approved 8/11/2023): PP4_Moderate, PP3, PM1_Supporting, PM2_Supporting.